The following is an entry in ClinVar:

NM_001378454.1(ALMS1):c.11107G>T (p.Ala3703Ser)

Gene: ALMS1 (ALMS1 centrosome and basal body associated protein; plus strand). Cytogenetic location: 2p13.1.
Variant type: single nucleotide variant.
Coding change: c.11107G>T on transcript NM_001378454.1 (MANE Select); coding-DNA position 11107, G replaced by T.
Protein change: p.Ala3703Ser; replaces alanine 3703 with serine.
Molecular consequence: missense variant.
Genome position (GRCh38, 1-based): chr2:73,572,984, G>T. VCF-style: chr2-73572984-G-T. GRCh37 (hg19) VCF-style: chr2-73800111-G-T.
Other names: c.11110G>T, p.Ala3704Ser (NM_015120.4); short protein forms A3703S, A3704S.
Identifiers: ClinVar variation 2156413 (VCV002156413.1), dbSNP rs2466445956, ClinGen allele CA347287347.
Genomic context (GRCh38, chr2:73,572,984, plus strand): 5'-GAGAAAAGCCATAAAAATACAGGCGAGCTTAAAAAAAGCAAGGTGCTTTCTCATCATCGA[G>T]CTGGGAGGTCTAATCAAATTAAAATTGAACAGATTAAATTTGATAAATATATTCTGAGTA-3'
Protein context (NP_001365383.1, residues 3693-3713): KKSKVLSHHR[Ala3703Ser]GRSNQIKIEQ

ClinVar aggregate classification (germline): Uncertain significance (1 of 4 stars; one submission).

Conditions:
Alstrom syndrome (ALMS). Identifiers: Orphanet 64, MedGen C0268425, MONDO:0008763, OMIM 203800.

gnomAD v4.1: 14 of 1,614,092 alleles (0.00087%); highest among the groups gnomAD compares: Non-Finnish European, 0.0012%; no homozygotes.

Submission:

Labcorp Genetics (formerly Invitae), Labcorp
Classification: Uncertain significance for Alstrom syndrome. Last evaluated: 2022-05-14. Review status: criteria provided, single submitter. Criteria: Invitae Variant Classification Sherloc (09022015). Collection method: clinical testing. Allele origin: germline.
Comment: This sequence change replaces alanine, which is neutral and non-polar, with serine, which is neutral and polar, at codon 3704 of the ALMS1 protein (p.Ala3704Ser). This variant is not present in population databases (gnomAD no frequency). This variant has not been reported in the literature in individuals affected with ALMS1-related conditions. Experimental studies and prediction algorithms are not available or were not evaluated, and the functional significance of this variant is currently unknown. In summary, the available evidence is currently insufficient to determine the role of this variant in disease. Therefore, it has been classified as a Variant of Uncertain Significance.